The following is an entry in ClinVar:

ClinVar aggregate classification (germline): Uncertain significance. Review status: criteria provided, multiple submitters, no conflicts (2 of 4 stars). 6 submissions from 6 submitters: Uncertain significance (6). Last evaluated 2026-09-15.

Conditions:
MYH6-related disorder. Also called: MYH6-related condition; MYH6-Related Disorders.
Cardiovascular phenotype. Identifiers: MedGen CN230736.
Atrial septal defect 3 (ASD3). Identifiers: Orphanet 1478, MedGen C3279790, MONDO:0013567, OMIM 614089.
Hypertrophic cardiomyopathy 1 (CMH1). Also called: MYH7-Related Familial Hypertrophic Cardiomyopathy; Familial hypertrophic cardiomyopathy 1. Identifiers: MedGen C3495498, MONDO:0008647, OMIM 192600.
Dilated cardiomyopathy 1EE (CMD1EE). Identifiers: Orphanet 154, MedGen C2750466, MONDO:0013198, OMIM 613252.
Sick sinus syndrome 3, susceptibility to (SSS3). Identifiers: Orphanet 166282, MedGen C3279791, MONDO:0013568, OMIM 614090.
Hypertrophic cardiomyopathy 14. Identifiers: MedGen C2750467, MONDO:0013197, OMIM 613251.

Allele frequency attached by ClinVar (database versions not stated): gnomAD 0.00001; TOPMed 0.00002; ExAC 0.00003; gnomAD exomes 0.00006; ESP Exome Variant Server 0.00008; 1000 Genomes Project 30x 0.00016; 1000 Genomes Project 0.00020.
gnomAD v4.1: 100 of 1,612,420 alleles (0.0062%); highest among the groups gnomAD compares: East Asian, 0.018%; no homozygotes.

Submissions (6):

PreventionGenetics, part of Exact Sciences
Classification: Uncertain significance for MYH6-related condition. Last evaluated: 2026-09-15. Review status: criteria provided, single submitter. Criteria: ACMG Guidelines, 2015. Collection method: clinical testing. Allele origin: germline.
Comment: The MYH6 c.4307G>A variant is predicted to result in the amino acid substitution p.Arg1436His. This variant has been reported in individuals with dilated cardiomyopathy or atrioventricular nodal reentry tachycardia (Table S3, Mazzarotto et al. 2020. PubMed ID: 31983221; described as p.Arg1476His in Table S3, Luo et al. 2020. PubMed ID: 32508047). This variant has also been reported as a variant of uncertain significance in a cohort of individuals referred for genetic testing of cardiomyopathy and/or arrhythmia; however, detailed clinical information was not available (Supplement 2, Dellefave-Castillo et al. 2022. PubMed ID: 35947370). This variant is reported in 0.020% of alleles in individuals of Latino descent in gnomAD. At this time, the clinical significance of this variant is uncertain due to the absence of conclusive functional and genetic evidence.

Labcorp Genetics (formerly Invitae), Labcorp
Classification: Uncertain significance for Hypertrophic cardiomyopathy 14. Last evaluated: 2025-05-27. Review status: criteria provided, single submitter. Criteria: Invitae Variant Classification Sherloc (09022015). Collection method: clinical testing. Allele origin: germline.
Comment: This sequence change replaces arginine, which is basic and polar, with histidine, which is basic and polar, at codon 1436 of the MYH6 protein (p.Arg1436His). This variant is present in population databases (rs142556730, gnomAD 0.02%). This variant has not been reported in the literature in individuals affected with MYH6-related conditions. ClinVar contains an entry for this variant (Variation ID: 178068). An algorithm developed to predict the effect of missense changes on protein structure and function (PolyPhen-2) suggests that this variant is likely to be disruptive. In summary, the available evidence is currently insufficient to determine the role of this variant in disease. Therefore, it has been classified as a Variant of Uncertain Significance.

Ambry Genetics
Classification: Uncertain significance for Cardiovascular phenotype. Last evaluated: 2024-09-13. Review status: criteria provided, single submitter. Criteria: Ambry Variant Classification Scheme 2023. Collection method: clinical testing. Allele origin: germline.
Comment: The p.R1436H variant (also known as c.4307G>A), located in coding exon 28 of the MYH6 gene, results from a G to A substitution at nucleotide position 4307. The arginine at codon 1436 is replaced by histidine, an amino acid with highly similar properties. This amino acid position is highly conserved in available vertebrate species. In addition, the in silico prediction for this alteration is inconclusive. Based on the available evidence, the clinical significance of this variant remains unclear.

Fulgent Genetics
Classification: Uncertain significance for Hypertrophic cardiomyopathy 1; Hypertrophic cardiomyopathy 14; Dilated cardiomyopathy 1EE; Atrial septal defect 3; Sick sinus syndrome 3, susceptibility to. Last evaluated: 2021-07-26. Review status: criteria provided, single submitter. Criteria: ACMG Guidelines, 2015. Collection method: clinical testing. Allele origin: unknown.

Women's Health and Genetics/Laboratory Corporation of America, LabCorp
Classification: Uncertain significance. Last evaluated: 2018-08-13. Review status: criteria provided, single submitter. Criteria: LabCorp Variant Classification Summary - May 2015. Collection method: clinical testing. Allele origin: germline.
Comment: Variant summary: MYH6 c.4307G>A (p.Arg1436His) results in a non-conservative amino acid change located in the Myosin tail (IPR002928) of the encoded protein sequence. Four of five in-silico tools predict a damaging effect of the variant on protein function. The variant allele was found at a frequency of 5.8e-05 in 277188 control chromosomes (gnomAD). The observed variant frequency is approximately 2.3-fold above the estimated maximal expected allele frequency for a pathogenic variant in MYH6 causing Cardiomyopathy phenotype (2.5e-05), suggesting that the variant may be benign. However, this data must be interpreted cautiously due to the potential presence of individuals with cardiac phenotypes in gnomAD. To our knowledge, no occurrence of c.4307G>A in individuals affected with Cardiomyopathy and no experimental evidence demonstrating its impact on protein function have been reported. One clinical diagnostic laboratory has submitted clinical-significance assessments for this variant to ClinVar after 2014 without evidence for independent evaluation and classified the variant as uncertain significance. Based on the evidence outlined above, the variant was classified as VUS-possibly benign.

Laboratory for Molecular Medicine, Mass General Brigham Personalized Medicine
Classification: Uncertain significance. Last evaluated: 2015-04-04. Review status: criteria provided, single submitter. Criteria: LMM Criteria. Collection method: clinical testing. Allele origin: germline. Observed: 3 variant alleles.
Comment: It has been identified in several populations (1/66760 E uropean, 2/8651 East Asian, and 1/11576 Latino chromosomes) by the Exome Aggrega tion Consortium (ExAC; dbSNP rs142556730). Compu tational prediction tools and conservation analysis suggest that this variant ma y impact the protein, though this information is not predictive enough to determ ine pathogenicity. In summary, the clinical significance of the p.Arg1436His var iant is uncertain.

NM_002471.4(MYH6):c.4307G>A (p.Arg1436His)

Gene: MYH6 (myosin heavy chain 6; minus strand). Cytogenetic location: 14q11.2.
Variant type: single nucleotide variant.
Coding change: c.4307G>A on transcript NM_002471.4 (MANE Select); coding-DNA position 4307, G replaced by A.
Protein change: p.Arg1436His; replaces arginine 1436 with histidine.
Molecular consequence: missense variant.
Genome position (GRCh38, 1-based): chr14:23,388,207, C>T on the plus strand (G>A on the coding strand, the complement: MYH6 is on the minus strand). VCF-style: chr14-23388207-C-T. GRCh37 (hg19) VCF-style: chr14-23857416-C-T.
Other names: short protein forms R1436H.
Identifiers: ClinVar variation 178068 (VCV000178068.20), dbSNP rs142556730, ClinGen allele CA181322.